The following is an entry in ClinVar:

ClinVar aggregate classification (germline): Benign. Review status: criteria provided, multiple submitters, no conflicts (2 of 4 stars). 9 submissions from 9 submitters: Benign (7). 2 of the submissions do not count toward it. Last evaluated 2026-05-08.

Conditions:
3M syndrome 2. Also called: 3-M Syndrome, OBSL1-Related; THREE M SYNDROME 2. Identifiers: Orphanet 2616, MedGen C2752041, MONDO:0013039, OMIM 612921.

Allele frequency attached by ClinVar (database versions not stated): 1000 Genomes Project 30x 0.96174; 1000 Genomes Project 0.96366; TOPMed 0.96607; gnomAD 0.96819 and 0.97015; ESP Exome Variant Server 0.96937; ExAC 0.99008; gnomAD exomes 0.99697.
gnomAD v4.1: 1,597,188 of 1,606,390 alleles (99%); highest among the groups gnomAD compares: East Asian, 100%; 794,412 homozygotes.

Submissions (9):

Women's Health and Genetics/Laboratory Corporation of America, LabCorp
Classification: Benign. Last evaluated: 2026-05-08. Review status: criteria provided, single submitter. Criteria: LabCorp Variant Classification Summary - May 2015. Collection method: clinical testing. Allele origin: germline.

Labcorp Genetics (formerly Invitae), Labcorp
Classification: Benign. Last evaluated: 2026-02-04. Review status: criteria provided, single submitter. Criteria: Invitae Variant Classification Sherloc (09022015). Collection method: clinical testing. Allele origin: germline.

Blueprint Genetics
Classification: Benign. Last evaluated: 2024-11-26. Review status: criteria provided, single submitter. Criteria: ACMG Guidelines, 2015. Collection method: clinical testing. Allele origin: germline.

Genome-Nilou Lab
Classification: Benign for 3M syndrome 2. Last evaluated: 2021-09-05. Review status: criteria provided, single submitter. Criteria: ACMG Guidelines, 2015. Collection method: clinical testing. Allele origin: germline. Affected: no.

GeneDx
Classification: Benign. Last evaluated: 2020-06-22. Review status: criteria provided, single submitter. Criteria: GeneDx Variant Classification Process June 2021. Collection method: clinical testing. Allele origin: germline. Affected: yes.

Illumina Laboratory Services, Illumina
Classification: Benign for 3M syndrome 2. Last evaluated: 2018-01-12. Review status: criteria provided, single submitter. Criteria: ICSL Variant Classification Criteria 13 December 2019. Collection method: clinical testing. Allele origin: germline.
Comment: This variant was observed in the ICSL laboratory as part of a predisposition screen in an ostensibly healthy population. It had not been previously curated by ICSL or reported in the Human Gene Mutation Database (HGMD: prior to June 1st, 2018), and was therefore a candidate for classification through an automated scoring system. Utilizing variant allele frequency, disease prevalence and penetrance estimates, and inheritance mode, an automated score was calculated to assess if this variant is too frequent to cause the disease. Based on the score and internal cut-off values, a variant classified as benign is not then subjected to further curation. The score for this variant resulted in a classification of benign for this disease.

Breakthrough Genomics
Classification: Benign. Review status: criteria provided, single submitter. Criteria: ACMG Guidelines, 2015. Collection method: not provided. Allele origin: germline. Inheritance: Autosomal recessive inheritance. Affected: yes.

Diagnostic Laboratory, Department of Genetics, University Medical Center Groningen
Classification: Benign. Review status: no assertion criteria provided. Collection method: clinical testing. Allele origin: germline. Affected: yes. Study: VKGL Data-share Consensus. Not counted in ClinVar's aggregate classification.

Joint Genome Diagnostic Labs from Nijmegen and Maastricht, Radboudumc and MUMC+
Classification: Benign. Review status: no assertion criteria provided. Collection method: clinical testing. Allele origin: germline. Affected: yes. Study: VKGL Data-share Consensus. Not counted in ClinVar's aggregate classification.

NM_015311.3(OBSL1):c.4395T>C (p.Asp1465=)

Gene: OBSL1 (obscurin like cytoskeletal adaptor 1; minus strand). Cytogenetic location: 2q35.
Variant type: single nucleotide variant.
Coding change: c.4395T>C on transcript NM_015311.3 (MANE Select); coding-DNA position 4395, T replaced by C.
Protein change: p.Asp1465=; no amino-acid change (aspartic acid 1465 retained).
Molecular consequence: synonymous variant.
Genome position (GRCh38, 1-based): chr2:219,556,234, A>G on the plus strand (T>C on the coding strand, the complement: OBSL1 is on the minus strand). VCF-style: chr2-219556234-A-G. GRCh37 (hg19) VCF-style: chr2-220420956-A-G.
Other names: c.4395T>C, p.Asp1465= (NM_001173431.2).
Identifiers: ClinVar variation 334475 (VCV000334475.24), dbSNP rs10932816, ClinGen allele CA2130559.
Genomic context (GRCh38, chr2:219,556,234, plus strand): 5'-TCGCACCCAGCGCACGGCCCCCGCTGCACCCACTCGGCCTGTCTCCACTTCGAGACACAC[A>G]TCCTGGCCTTCCTCTGCCCGCACATCCTGCAACCGCCGTAGGAACAGCAGCTCTGTCTCT-3'
Protein context (NP_056126.1, residues 1455-1475): LQDVRAEEGQ[Asp1465=]VCLEVETGRV